The following is an entry in ClinVar:

NM_004463.3(FGD1):c.2377C>G (p.Pro793Ala)

Gene: FGD1 (FYVE, RhoGEF and PH domain containing 1; minus strand). Cytogenetic location: Xp11.22.
Variant type: single nucleotide variant.
Coding change: c.2377C>G on transcript NM_004463.3 (MANE Select); coding-DNA position 2377, C replaced by G.
Protein change: p.Pro793Ala; replaces proline 793 with alanine.
Molecular consequence: missense variant.
Genome position (GRCh38, 1-based): chrX:54,448,865, G>C on the plus strand (C>G on the coding strand, the complement: FGD1 is on the minus strand). VCF-style: chrX-54448865-G-C. GRCh37 (hg19) VCF-style: chrX-54475298-G-C.
Other names: short protein forms P793A.
Identifiers: ClinVar variation 4747557 (VCV004747557.1).

ClinVar aggregate classification (germline): Uncertain significance (1 of 4 stars; one submission).

Submission:

Labcorp Genetics (formerly Invitae), Labcorp
Classification: Uncertain significance. Last evaluated: 2025-02-12. Review status: criteria provided, single submitter. Criteria: Invitae Variant Classification Sherloc (09022015). Collection method: clinical testing. Allele origin: germline.
Comment: This sequence change replaces proline, which is neutral and non-polar, with alanine, which is neutral and non-polar, at codon 793 of the FGD1 protein (p.Pro793Ala). This variant is not present in population databases (gnomAD no frequency). This variant has not been reported in the literature in individuals affected with FGD1-related conditions. Invitae Evidence Modeling of protein sequence and biophysical properties (such as structural, functional, and spatial information, amino acid conservation, physicochemical variation, residue mobility, and thermodynamic stability) indicates that this missense variant is not expected to disrupt FGD1 protein function with a negative predictive value of 95%. In summary, the available evidence is currently insufficient to determine the role of this variant in disease. Therefore, it has been classified as a Variant of Uncertain Significance.